The following is an entry in ClinVar:

NM_014413.4(EIF2AK1):c.1765G>T (p.Val589Phe)

Gene: EIF2AK1 (eukaryotic translation initiation factor 2 alpha kinase 1; minus strand). Cytogenetic location: 7p22.1.
Variant type: single nucleotide variant.
Coding change: c.1765G>T on transcript NM_014413.4 (MANE Select); coding-DNA position 1765, G replaced by T.
Protein change: p.Val589Phe; replaces valine 589 with phenylalanine.
Molecular consequence: missense variant.
Genome position (GRCh38, 1-based): chr7:6,024,801, C>A on the plus strand (G>T on the coding strand, the complement: EIF2AK1 is on the minus strand). VCF-style: chr7-6024801-C-A. GRCh37 (hg19) VCF-style: chr7-6064432-C-A.
Other names: c.1765G>T (NM_014413.3); c.1762G>T, p.Val588Phe (NM_001134335.2); short protein forms V588F, V589F.
Identifiers: ClinVar variation 3707935 (VCV003707935.3).

ClinVar aggregate classification (germline): Uncertain significance. Review status: criteria provided, multiple submitters, no conflicts (2 of 4 stars). 2 submissions from 2 submitters: Uncertain significance (2). Last evaluated 2025-11-03.

gnomAD v4.1: 6 of 1,516,532 alleles (0.0004%); highest among the groups gnomAD compares: Non-Finnish European, 0.00053%; no homozygotes.

Submissions (2):

Ambry Genetics
Classification: Uncertain significance. Last evaluated: 2025-11-03. Review status: criteria provided, single submitter. Criteria: Ambry Variant Classification Scheme 2023. Collection method: clinical testing. Allele origin: germline.

Labcorp Genetics (formerly Invitae), Labcorp
Classification: Uncertain significance. Last evaluated: 2024-03-25. Review status: criteria provided, single submitter. Criteria: Invitae Variant Classification Sherloc (09022015). Collection method: clinical testing. Allele origin: germline.
Comment: This sequence change replaces valine, which is neutral and non-polar, with phenylalanine, which is neutral and non-polar, at codon 589 of the EIF2AK1 protein (p.Val589Phe). This variant is not present in population databases (gnomAD no frequency). This variant has not been reported in the literature in individuals affected with EIF2AK1-related conditions. An algorithm developed to predict the effect of missense changes on protein structure and function (PolyPhen-2) suggests that this variant is likely to be disruptive. In summary, the available evidence is currently insufficient to determine the role of this variant in disease. Therefore, it has been classified as a Variant of Uncertain Significance.